The following is an entry in ClinVar:

ClinVar aggregate classification (germline): Uncertain significance. Review status: criteria provided, single submitter (1 of 4 stars). 2 submissions from 2 submitters: Uncertain significance (1). 1 of the submissions does not count toward it. Last evaluated 2022-11-30.

Conditions:
PCNT-related disorder. Also called: PCNT-related condition.

Allele frequency attached by ClinVar (database versions not stated): gnomAD exomes below 0.00001; gnomAD 0.00001; TOPMed 0.00001.
gnomAD v4.1: 2 of 1,613,384 alleles (0.00012%); highest among the groups gnomAD compares: Non-Finnish European, 0.00017%; no homozygotes.

Submissions (2):

GeneDx
Classification: Uncertain significance. Last evaluated: 2022-11-30. Review status: criteria provided, single submitter. Criteria: GeneDx Variant Classification Process June 2021. Collection method: clinical testing. Allele origin: germline. Affected: yes.
Comment: Not observed at significant frequency in large population cohorts (gnomAD); In silico analysis supports that this missense variant has a deleterious effect on protein structure/function; Missense variant in a gene in which most reported pathogenic variants are truncating/loss of function; Has not been previously published as pathogenic or benign to our knowledge

PreventionGenetics, part of Exact Sciences
Classification: Uncertain significance for PCNT-related condition. Last evaluated: 2024-05-07. Review status: no assertion criteria provided. Collection method: clinical testing. Allele origin: germline. Not counted in ClinVar's aggregate classification.
Comment: The PCNT c.8201C>T variant is predicted to result in the amino acid substitution p.Ala2734Val. To our knowledge, this variant has not been reported in the literature. This variant is reported in 0.0065% of alleles in individuals of European (Non-Finnish) descent in gnomAD. At this time, the clinical significance of this variant is uncertain due to the absence of conclusive functional and genetic evidence.

NM_006031.6(PCNT):c.8201C>T (p.Ala2734Val)

Gene: PCNT (pericentrin; plus strand). Cytogenetic location: 21q22.3.
Variant type: single nucleotide variant.
Coding change: c.8201C>T on transcript NM_006031.6 (MANE Select); coding-DNA position 8201, C replaced by T.
Protein change: p.Ala2734Val; replaces alanine 2734 with valine.
Molecular consequence: missense variant.
Genome position (GRCh38, 1-based): chr21:46,431,665, C>T. VCF-style: chr21-46431665-C-T. GRCh37 (hg19) VCF-style: chr21-47851579-C-T.
Other names: c.7847C>T, p.Ala2616Val (NM_001315529.2); short protein forms A2616V, A2734V.
Identifiers: ClinVar variation 2504513 (VCV002504513.3), dbSNP rs1397610312, ClinGen allele CA410572685.